The following is an entry in ClinVar:

ClinVar aggregate classification (germline): Benign (1 of 4 stars; one submission).

Submission:

ISCA site 4
Classification: Benign. Last evaluated: 2011-08-12. Review status: criteria provided, single submitter. Criteria: Kaminsky et al. (Genet Med. 2011). Collection method: clinical testing. Allele origin: unknown. Affected: yes. Observed: 1 variant allele.
Comment: Copy number variation identified through the course of routine clinical cytogenomic testing in postnatal populations. Clinical assertions have been curated as described in Kaminsky et al. 2011.

GRCh38/hg38 22q13.32-13.33(chr22:49020386-49672085)x3

Genes: MIR3667 (microRNA 3667; minus strand), MIR3667HG (MIR3667 host gene; minus strand), NHIP (neuronal hypoxia inducible, placenta associated; minus strand), LOC111828509 (Sharpr-MPRA regulatory regions 3830 and 4902; plus strand), LOC126863181 (MED14-independent group 3 enhancer GRCh37_chr22:49479476-49480675; plus strand) and 12 more. Cytogenetic location: 22q13.32-13.33.
Variant type: copy number gain.
Change: copy number 3 (three copies instead of two) of chr22:49,020,386-49,672,085 (651.7 kb, GRCh38 coordinates, 1-based), cytogenetic band 22q13.32-13.33.
Identifiers: ClinVar variation 57405 (VCV000057405.1).